The following is an entry in ClinVar:

NM_173354.5(SIK1):c.580G>C (p.Val194Leu)

Gene: SIK1 (salt inducible kinase 1; minus strand). Cytogenetic location: 21q22.3.
Variant type: single nucleotide variant.
Coding change: c.580G>C on transcript NM_173354.5 (MANE Select); coding-DNA position 580, G replaced by C.
Protein change: p.Val194Leu; replaces valine 194 with leucine.
Molecular consequence: missense variant.
Genome position (GRCh38, 1-based): chr21:43,421,287, C>G on the plus strand (G>C on the coding strand, the complement: SIK1 is on the minus strand). VCF-style: chr21-43421287-C-G. GRCh37 (hg19) VCF-style: chr21-44841167-C-G.
Other names: short protein forms V194L.
Identifiers: ClinVar variation 2652721 (VCV002652721.24), dbSNP rs367965361, ClinGen allele CA410609873.

ClinVar aggregate classification (germline): Uncertain significance (1 of 4 stars; one submission).

Submission:

CeGaT Center for Human Genetics Tuebingen
Classification: Uncertain significance. Last evaluated: 2023-10-01. Review status: criteria provided, single submitter. Criteria: CeGaT Center For Human Genetics Tuebingen Variant Classification Criteria Version 2. Collection method: clinical testing. Allele origin: germline. Affected: yes. Observed: 1 variant allele.
Comment: SIK1: PM2